The following is an entry in ClinVar:

NM_000392.5(ABCC2):c.2499T>C (p.Val833=)

Gene: ABCC2 (ATP binding cassette subfamily C member 2; plus strand). Cytogenetic location: 10q24.2.
Variant type: single nucleotide variant.
Coding change: c.2499T>C on transcript NM_000392.5 (MANE Select); coding-DNA position 2499, T replaced by C.
Protein change: p.Val833=; no amino-acid change (valine 833 retained).
Molecular consequence: synonymous variant.
Genome position (GRCh38, 1-based): chr10:99,819,148, T>C. VCF-style: chr10-99819148-T-C. GRCh37 (hg19) VCF-style: chr10-101578905-T-C.
Other names: c.2499T>C, p.Val833= (LRG_1208t1); c.2499T>C (NM_000392.4).
Identifiers: ClinVar variation 289984 (VCV000289984.10), dbSNP rs75148532, ClinGen allele CA5643501.

ClinVar aggregate classification (germline): Conflicting classifications of pathogenicity. Review status: criteria provided, conflicting classifications (1 of 4 stars). 3 submissions from 3 submitters: Uncertain significance (1); Likely benign (1). 1 of the submissions does not count toward it. Last evaluated 2025-12-06.

Conditions:
ABCC2-related disorder. Also called: ABCC2-related condition.

Allele frequency attached by ClinVar (database versions not stated): gnomAD exomes 0.00002 and 0.00006; gnomAD 0.00019 and 0.00018; TOPMed 0.00029; ExAC 0.00007; ESP Exome Variant Server 0.00038; 1000 Genomes Project 0.00040; 1000 Genomes Project 30x 0.00047.
gnomAD v4.1: 51 of 1,614,134 alleles (0.0032%); highest among the groups gnomAD compares: African/African-American, 0.064%; no homozygotes.

Submissions (3):

Labcorp Genetics (formerly Invitae), Labcorp
Classification: Likely benign. Last evaluated: 2025-12-06. Review status: criteria provided, single submitter. Criteria: Invitae Variant Classification Sherloc (09022015). Collection method: clinical testing. Allele origin: germline.

Eurofins Ntd Llc (ga)
Classification: Uncertain significance. Last evaluated: 2018-06-26. Review status: criteria provided, single submitter. Criteria: EGL ClinVar v180209 classification definitions. Collection method: clinical testing. Allele origin: germline. Observed: 2 variant alleles, 2 heterozygotes.

PreventionGenetics, part of Exact Sciences
Classification: Likely benign for ABCC2-related condition. Last evaluated: 2022-05-05. Review status: no assertion criteria provided. Collection method: clinical testing. Allele origin: germline. Not counted in ClinVar's aggregate classification.
Comment: This variant is classified as likely benign based on ACMG/AMP sequence variant interpretation guidelines (Richards et al. 2015 PMID: 25741868, with internal and published modifications).